The following is an entry in ClinVar:

NM_138927.4(SON):c.4083G>A (p.Glu1361=)

Gene: SON (SON DNA and RNA binding protein; plus strand). Cytogenetic location: 21q22.11.
Variant type: single nucleotide variant.
Coding change: c.4083G>A on transcript NM_138927.4 (MANE Select); coding-DNA position 4083, G replaced by A.
Protein change: p.Glu1361=; no amino-acid change (glutamic acid 1361 retained).
Molecular consequence: synonymous variant. On other transcripts: non-coding transcript variant (1), intron variant (1).
Genome position (GRCh38, 1-based): chr21:33,553,314, G>A. VCF-style: chr21-33553314-G-A. GRCh37 (hg19) VCF-style: chr21-34925620-G-A.
Other names: c.4083G>A, p.Glu1361= (NM_001291411.2, NM_032195.3); c.245-3842G>A (NM_001291412.3).
Identifiers: ClinVar variation 3257431 (VCV003257431.17).

ClinVar aggregate classification (germline): Likely benign (1 of 4 stars; one submission).

Submission:

CeGaT Center for Human Genetics Tuebingen
Classification: Likely benign. Last evaluated: 2024-07-01. Review status: criteria provided, single submitter. Criteria: CeGaT Center For Human Genetics Tuebingen Variant Classification Criteria Version 2. Collection method: clinical testing. Allele origin: germline. Affected: yes. Observed: 1 variant allele.
Comment: SON: PM2:Supporting, BP4, BP7